The following is an entry in ClinVar:

NM_004990.4(MARS1):c.2597A>G (p.Lys866Arg)

Gene: MARS1 (methionyl-tRNA synthetase 1; plus strand). Cytogenetic location: 12q13.3.
Variant type: single nucleotide variant.
Coding change: c.2597A>G on transcript NM_004990.4 (MANE Select); coding-DNA position 2597, A replaced by G.
Protein change: p.Lys866Arg; replaces lysine 866 with arginine.
Molecular consequence: missense variant.
Genome position (GRCh38, 1-based): chr12:57,516,475, A>G. VCF-style: chr12-57516475-A-G. GRCh37 (hg19) VCF-style: chr12-57910258-A-G.
Other names: short protein forms K866R.
Identifiers: ClinVar variation 3757460 (VCV003757460.2).

ClinVar aggregate classification (germline): Uncertain significance (1 of 4 stars; one submission).

Conditions:
Severe early-onset pulmonary alveolar proteinosis due to MARS deficiency. Also called: Interstitial lung and liver disease; PULMONARY ALVEOLAR PROTEINOSIS, REUNION ISLAND. Identifiers: Orphanet 440427, MedGen C4225400, MONDO:0014206, OMIM 615486.
Charcot-Marie-Tooth disease axonal type 2U. Also called: CHARCOT-MARIE-TOOTH NEUROPATHY, TYPE 2U; CHARCOT-MARIE-TOOTH DISEASE, AXONAL, AUTOSOMAL DOMINANT, TYPE 2U. Identifiers: Orphanet 397735, MedGen C4084821, MONDO:0014566, OMIM 616280.

Submission:

Labcorp Genetics (formerly Invitae), Labcorp
Classification: Uncertain significance for Charcot-Marie-Tooth disease axonal type 2U; Severe early-onset pulmonary alveolar proteinosis due to MARS deficiency. Last evaluated: 2024-07-30. Review status: criteria provided, single submitter. Criteria: Invitae Variant Classification Sherloc (09022015). Collection method: clinical testing. Allele origin: germline.
Comment: This sequence change replaces lysine, which is basic and polar, with arginine, which is basic and polar, at codon 866 of the MARS protein (p.Lys866Arg). This variant is not present in population databases (gnomAD no frequency). This variant has not been reported in the literature in individuals affected with MARS-related conditions. An algorithm developed to predict the effect of missense changes on protein structure and function (PolyPhen-2) suggests that this variant is likely to be tolerated. In summary, the available evidence is currently insufficient to determine the role of this variant in disease. Therefore, it has been classified as a Variant of Uncertain Significance.